The following is an entry in ClinVar:

ClinVar aggregate classification (germline): Uncertain significance (1 of 4 stars; one submission).

Allele frequency attached by ClinVar (database versions not stated): gnomAD exomes below 0.00001; TOPMed below 0.00001; gnomAD 0.00001.
gnomAD v4.1: 6 of 1,614,088 alleles (0.00037%); highest among the groups gnomAD compares: Middle Eastern, 0.016%; no homozygotes.

Submission:

Labcorp Genetics (formerly Invitae), Labcorp
Classification: Uncertain significance. Last evaluated: 2023-06-25. Review status: criteria provided, single submitter. Criteria: Invitae Variant Classification Sherloc (09022015). Collection method: clinical testing. Allele origin: germline.
Comment: Advanced modeling of protein sequence and biophysical properties (such as structural, functional, and spatial information, amino acid conservation, physicochemical variation, residue mobility, and thermodynamic stability) performed at Invitae indicates that this missense variant is not expected to disrupt MYH3 protein function. In summary, the available evidence is currently insufficient to determine the role of this variant in disease. Therefore, it has been classified as a Variant of Uncertain Significance. This variant has not been reported in the literature in individuals affected with MYH3-related conditions. This variant is present in population databases (no rsID available, gnomAD 0.007%). This sequence change replaces proline, which is neutral and non-polar, with serine, which is neutral and polar, at codon 15 of the MYH3 protein (p.Pro15Ser).

NM_002470.4(MYH3):c.43C>T (p.Pro15Ser)

Gene: MYH3 (myosin heavy chain 3; minus strand). Cytogenetic location: 17p13.1.
Variant type: single nucleotide variant.
Coding change: c.43C>T on transcript NM_002470.4 (MANE Select); coding-DNA position 43, C replaced by T.
Protein change: p.Pro15Ser; replaces proline 15 with serine.
Molecular consequence: missense variant.
Genome position (GRCh38, 1-based): chr17:10,655,022, G>A on the plus strand (C>T on the coding strand, the complement: MYH3 is on the minus strand). VCF-style: chr17-10655022-G-A. GRCh37 (hg19) VCF-style: chr17-10558339-G-A.
Other names: short protein forms P15S.
Identifiers: ClinVar variation 2728873 (VCV002728873.3), dbSNP rs1338870916, ClinGen allele CA398119361.